The following is an entry in ClinVar:

ClinVar aggregate classification (germline): Likely pathogenic (1 of 4 stars; one submission).

Conditions:
Lynch syndrome. Identifiers: Orphanet 144, MedGen C4552100, MONDO:0005835. Disease mechanism: loss of function.

Submission:

Labcorp Genetics (formerly Invitae), Labcorp
Classification: Likely pathogenic for Hereditary nonpolyposis colorectal neoplasms. Last evaluated: 2016-01-10. Review status: criteria provided, single submitter. Criteria: Invitae Variant Classification Sherloc (09022015). Collection method: clinical testing. Allele origin: germline.
Comment: This variant is a gross deletion of the genomic region encompassing exon 12 of the PMS2 gene. Although this leads to the in-frame deletion of amino acids 670-725, preserving the integrity of the reading frame, it removes the N-terminal portion of the MLH1 interaction domain (PMID: 10037723). This deletion has not been reported in the literature in individuals with a PMS2-related disease. However, donor and acceptor splice site variants encompassing exon 12 (c.2007-1G>A and c.2174+1G>A), which may result in exon 12 skipping, have been reported in suspected Lynch syndrome patients (PMID: 16619239, 18602922). In summary, this is a novel deletion that has not been seen in affected individuals, but is expected to disrupt protein function. In the absence of additional genetic or functional data, this variant has been classified as Likely Pathogenic.

NM_000535.6(PMS2):c.2007-?_2174+?del

Gene: PMS2 (PMS1 homolog 2, mismatch repair system component; minus strand).
Variant type: Deletion.
Coding change: c.2007-?_2174+?del on transcript NM_000535.6.
Other names: c.2007-?_2174+?del (LRG_161t1).
Identifiers: ClinVar variation 254048 (VCV000254048.1).